The following is an entry in ClinVar:

NC_000021.8:g.(?_45193830)_(45196190_?)dup

Gene: CSTB (cystatin B; minus strand). Cytogenetic location: 21q22.3.
Variant type: Duplication.
Identifiers: ClinVar variation 4526148 (VCV004526148.1).

ClinVar aggregate classification (germline): Uncertain significance (1 of 4 stars; one submission).

Submission:

Women's Health and Genetics/Laboratory Corporation of America, LabCorp
Classification: Uncertain significance. Last evaluated: 2025-07-29. Review status: criteria provided, single submitter. Criteria: LabCorp Variant Classification Summary - May 2015. Collection method: clinical testing. Allele origin: germline.
Comment: Variant summary: The variant involves the duplication of exons 1-3 in the CSTB gene. A presumed nomenclature of c.(?_-40)_(*253_?)dup has been designated for the purposes of this classification. This duplication includes the entire coding sequence of the gene. As exact breakpoints are unknown, it may extend beyond the annotated region of the gene, to include other flanking genes. The variant allele was found at a frequency of 4.6e-05 in 21694 control chromosomes in gnomAD v2 SV database. The available data on variant occurrences in the general population are insufficient to allow any conclusion about variant significance. To our knowledge, no occurrence of c.(?_-40)_(*253_?)dup in individuals affected with Unverricht-Lundborg Syndrome and no experimental evidence demonstrating its impact on protein function have been reported. ClinVar contains an entry for this variant (Variation ID: 584212). Based on the evidence outlined above, the variant was classified as uncertain significance.